The following is an entry in ClinVar:

NM_170606.3(KMT2C):c.1421ATC[1] (p.His475del)

Gene: KMT2C (lysine methyltransferase 2C; minus strand). Cytogenetic location: 7q36.1.
Variant type: Microsatellite.
Coding change: c.1421ATC[1] on transcript NM_170606.3 (MANE Select); one copy of the 3-base unit ATC starting at c.1421; the reference has two copies in a row; one copy, 3 bases deleted.
Protein change: p.His475del; deletes histidine 475.
Molecular consequence: inframe deletion.
Genome position (GRCh38, 1-based): chr7:152,252,589-152,252,591, GAT deleted on the plus strand (ATC on the coding strand, the reverse complement: KMT2C is on the minus strand); deleting any 3 consecutive bases within chr7:152,252,589-152,252,594 gives the same sequence; the position shown is the placement nearest the transcript's 3' end. VCF-style (leftmost placement, unchanged base first): chr7-152252588-GGAT-G. GRCh37 (hg19) VCF-style: chr7-151949673-GGAT-G.
Other names: short protein forms H475del.
Identifiers: ClinVar variation 134735 (VCV000134735.8), dbSNP rs587778488, ClinGen allele CA160643.
Genomic context (GRCh38, chr7:152,252,588, plus strand): 5'-GAATAACTATCTTCTTACCTTTTGCACATATTACAATGAAGCATGTCTTTCTGCAATTCT[GGAT>G]GATAACACTTCCCACAGAAGGGACATAAGTTATCCTGCTGTTGGTAACAATTGTCACATA-3'

ClinVar aggregate classification (germline): Likely benign. Review status: criteria provided, single submitter (1 of 4 stars). 2 submissions from 2 submitters: Likely benign (1). 1 of the submissions does not count toward it. Last evaluated 2023-07-01.

Submissions (2):

Labcorp Genetics (formerly Invitae), Labcorp
Classification: Likely benign. Last evaluated: 2023-07-01. Review status: criteria provided, single submitter. Criteria: Invitae Variant Classification Sherloc (09022015). Collection method: clinical testing. Allele origin: germline.

ITMI
No classification provided. Condition: AllHighlyPenetrant. Last evaluated: 2013-09-19. Review status: no classification provided. Collection method: reference population. Allele origin: germline. Not counted in ClinVar's aggregate classification.
Comment: Please see associated publication for description of ethnicities

Literature cited by the submitters: PubMed 24728327 (cited by ITMI).